The following is an entry in ClinVar:

ClinVar aggregate classification (germline): Uncertain significance (1 of 4 stars; one submission).

Conditions:
Epileptic encephalopathy. Identifiers: MedGen C0543888, HP:0200134.

Allele frequency attached by ClinVar (database versions not stated): ExAC 0.00002; gnomAD 0.00003 and 0.00004; gnomAD exomes 0.00003 and 0.00010; TOPMed 0.00003; ESP Exome Variant Server 0.00015.

Submission:

Labcorp Genetics (formerly Invitae), Labcorp
Classification: Uncertain significance for Epileptic encephalopathy. Last evaluated: 2024-06-24. Review status: criteria provided, single submitter. Criteria: Invitae Variant Classification Sherloc (09022015). Collection method: clinical testing. Allele origin: germline.
Comment: This sequence change replaces proline, which is neutral and non-polar, with serine, which is neutral and polar, at codon 431 of the FASN protein (p.Pro431Ser). This variant is present in population databases (rs140653754, gnomAD 0.007%). This variant has not been reported in the literature in individuals affected with FASN-related conditions. ClinVar contains an entry for this variant (Variation ID: 664378). An algorithm developed to predict the effect of missense changes on protein structure and function (PolyPhen-2) suggests that this variant is likely to be tolerated. In summary, the available evidence is currently insufficient to determine the role of this variant in disease. Therefore, it has been classified as a Variant of Uncertain Significance.

NM_004104.5(FASN):c.1291C>T (p.Pro431Ser)

Gene: FASN (fatty acid synthase; minus strand). Cytogenetic location: 17q25.3.
Variant type: single nucleotide variant.
Coding change: c.1291C>T on transcript NM_004104.5 (MANE Select); coding-DNA position 1291, C replaced by T.
Protein change: p.Pro431Ser; replaces proline 431 with serine.
Molecular consequence: missense variant.
Genome position (GRCh38, 1-based): chr17:82,091,423, G>A on the plus strand (C>T on the coding strand, the complement: FASN is on the minus strand). VCF-style: chr17-82091423-G-A. GRCh37 (hg19) VCF-style: chr17-80049299-G-A.
Other names: short protein forms P431S.
Identifiers: ClinVar variation 664378 (VCV000664378.8), dbSNP rs140653754, ClinGen allele CA8853203.